The following is an entry in ClinVar:

NM_020680.4(SCYL1):c.575G>A (p.Ser192Asn)

Gene: SCYL1 (SCY1 like pseudokinase 1; plus strand). Cytogenetic location: 11q13.1.
Variant type: single nucleotide variant.
Coding change: c.575G>A on transcript NM_020680.4 (MANE Select); coding-DNA position 575, G replaced by A.
Protein change: p.Ser192Asn; replaces serine 192 with asparagine.
Molecular consequence: missense variant. On other transcripts: intron variant (4).
Genome position (GRCh38, 1-based): chr11:65,526,323, G>A. VCF-style: chr11-65526323-G-A. GRCh37 (hg19) VCF-style: chr11-65293794-G-A.
Other names: c.575G>A, p.Ser192Asn (NM_001048218.2, NM_001411022.1, NM_001425179.1 and 19 more transcripts); c.572G>A, p.Ser191Asn (NM_001425180.1, NM_001425183.1); c.320G>A, p.Ser107Asn (NM_001425199.1); c.311G>A, p.Ser104Asn (NM_001425200.1); c.146G>A, p.Ser49Asn (NM_001425203.1, NM_001425204.1, NM_001425205.1 and 2 more transcripts); c.-11+280G>A (NM_001425208.1, NM_001425211.1, NM_001425209.1 and 1 more transcripts); short protein forms S104N, S107N, S191N, S192N, S49N.
Identifiers: ClinVar variation 4702420 (VCV004702420.1).

ClinVar aggregate classification (germline): Uncertain significance (1 of 4 stars; one submission).

gnomAD v4.1: 1 of 1,607,018 alleles (0.000062%); highest among the groups gnomAD compares: South Asian, 0.0011%; no homozygotes.

Submission:

Labcorp Genetics (formerly Invitae), Labcorp
Classification: Uncertain significance. Last evaluated: 2025-05-19. Review status: criteria provided, single submitter. Criteria: Invitae Variant Classification Sherloc (09022015). Collection method: clinical testing. Allele origin: germline.
Comment: This sequence change replaces serine, which is neutral and polar, with asparagine, which is neutral and polar, at codon 192 of the SCYL1 protein (p.Ser192Asn). This variant is not present in population databases (gnomAD no frequency). This variant has not been reported in the literature in individuals affected with SCYL1-related conditions. An algorithm developed to predict the effect of missense changes on protein structure and function outputs the following: PolyPhen-2: "Benign". The asparagine amino acid residue is found in multiple mammalian species, which suggests that this missense change does not adversely affect protein function. In summary, the available evidence is currently insufficient to determine the role of this variant in disease. Therefore, it has been classified as a Variant of Uncertain Significance.